The following is an entry in ClinVar:

ClinVar aggregate classification (germline): Conflicting classifications of pathogenicity. Review status: criteria provided, conflicting classifications (1 of 4 stars). 3 submissions from 3 submitters: Likely pathogenic (1); Uncertain significance (1). 1 of the submissions does not count toward it. Last evaluated 2023-12-04.

Conditions:
Multiple mitochondrial dysfunctions syndrome 9b. Identifiers: MedGen C5935635, MONDO:0971174, OMIM 620887.
FDXR-related disorder. Also called: FDXR-related condition; FDXR-related disorders.

Allele frequency attached by ClinVar (database versions not stated): ExAC 0.00003.
gnomAD v4.1: 69 of 1,612,614 alleles (0.0043%); highest among the groups gnomAD compares: Non-Finnish European, 0.0052%; no homozygotes.

Submissions (3):

Blueprint Genetics
Classification: Likely pathogenic for FDXR-related disorders. Last evaluated: 2023-12-04. Review status: criteria provided, single submitter. Criteria: ACMG Guidelines, 2015. Collection method: clinical testing. Allele origin: germline. Affected: yes. Observed: 3 variant alleles.

CeGaT Center for Human Genetics Tuebingen
Classification: Uncertain significance. Last evaluated: 2022-09-01. Review status: criteria provided, single submitter. Criteria: CeGaT Center For Human Genetics Tuebingen Variant Classification Criteria Version 2. Collection method: clinical testing. Allele origin: germline. Affected: yes. Observed: 1 variant allele.
Comment: FDXR: PM2, PM3

OMIM
Classification: Pathogenic for MULTIPLE MITOCHONDRIAL DYSFUNCTIONS SYNDROME 9B. Last evaluated: 2024-07-16. Review status: no assertion criteria provided. Collection method: literature only. Allele origin: germline. Not counted in ClinVar's aggregate classification.

Literature cited by the submitters: PubMed 30250212 (cited by OMIM).

NM_024417.5(FDXR):c.578G>A (p.Arg193His)

Gene: FDXR (ferredoxin reductase; minus strand). Cytogenetic location: 17q25.1.
Variant type: single nucleotide variant.
Coding change: c.578G>A on transcript NM_024417.5 (MANE Select); coding-DNA position 578, G replaced by A.
Protein change: p.Arg193His; replaces arginine 193 with histidine.
Molecular consequence: missense variant. On other transcripts: non-coding transcript variant (1).
Genome position (GRCh38, 1-based): chr17:74,865,750, C>T on the plus strand (G>A on the coding strand, the complement: FDXR is on the minus strand). VCF-style: chr17-74865750-C-T. GRCh37 (hg19) VCF-style: chr17-72861872-C-T.
Other names: c.707G>A, p.Arg236His (NM_001258012.4); c.671G>A, p.Arg224His (NM_001258013.4); c.554G>A, p.Arg185His (NM_001258014.4); c.458G>A, p.Arg153His (NM_001258015.3); c.422G>A, p.Arg141His (NM_001258016.3); c.578G>A, p.Arg193His (NM_004110.6); short protein forms R141H, R153H, R185H, R193H, R224H, R236H.
Identifiers: ClinVar variation 1711446 (VCV001711446.31), dbSNP rs772347757, ClinGen allele CA8753146.
Genomic context (GRCh38, chr17:74,865,750, plus strand): 5'-AACCCCGCCAGCCCTGACCTACCACTCACCTCCAGGTGCTCAGGTGGGGTCAGTAGGATG[C>T]GGGCCACGTCCAGAGCCACGTTCCCCTGCCCCAGAATCACGGCTGTGTCACAGCTCAGGT-3'
Protein context (NP_077728.3, residues 183-203): GQGNVALDVA[Arg193His]ILLTPPEHLE